The following is an entry in ClinVar:

ClinVar aggregate classification (germline): Uncertain significance (1 of 4 stars; one submission).

Conditions:
Imerslund-Grasbeck syndrome. Also called: PERNICIOUS ANEMIA, JUVENILE, DUE TO SELECTIVE INTESTINAL MALABSORPTION OF VITAMIN B12, WITH PROTEINURIA; Megaloblastic anemia due to inborn errors of metabolism; Imerslund-Gräsbeck syndrome; ENTEROCYTE COBALAMIN MALABSORPTION; ENTEROCYTE INTRINSIC FACTOR RECEPTOR, DEFECT OF. Identifiers: Orphanet 35858, MedGen C4551825, MONDO:0009853.

gnomAD v4.1: 14 of 1,613,990 alleles (0.00087%); highest among the groups gnomAD compares: Middle Eastern, 0.016%; no homozygotes.

Submission:

Labcorp Genetics (formerly Invitae), Labcorp
Classification: Uncertain significance for Imerslund-Grasbeck syndrome. Last evaluated: 2025-11-17. Review status: criteria provided, single submitter. Criteria: Invitae Variant Classification Sherloc (09022015). Collection method: clinical testing. Allele origin: germline.
Comment: This sequence change replaces alanine, which is neutral and non-polar, with threonine, which is neutral and polar, at codon 3010 of the CUBN protein (p.Ala3010Thr). This variant is present in population databases (rs756775921, gnomAD 0.01%). This variant has not been reported in the literature in individuals affected with CUBN-related conditions. ClinVar contains an entry for this variant (Variation ID: 1502771). Invitae Evidence Modeling of protein sequence and biophysical properties (such as structural, functional, and spatial information, amino acid conservation, physicochemical variation, residue mobility, and thermodynamic stability) indicates that this missense variant is not expected to disrupt CUBN protein function with a negative predictive value of 80%. In summary, the available evidence is currently insufficient to determine the role of this variant in disease. Therefore, it has been classified as a Variant of Uncertain Significance.

NM_001081.4(CUBN):c.9028G>A (p.Ala3010Thr)

Gene: CUBN (cubilin; minus strand). Cytogenetic location: 10p13.
Variant type: single nucleotide variant.
Coding change: c.9028G>A on transcript NM_001081.4 (MANE Select); coding-DNA position 9028, G replaced by A.
Protein change: p.Ala3010Thr; replaces alanine 3010 with threonine.
Molecular consequence: missense variant.
Genome position (GRCh38, 1-based): chr10:16,876,975, C>T on the plus strand (G>A on the coding strand, the complement: CUBN is on the minus strand). VCF-style: chr10-16876975-C-T. GRCh37 (hg19) VCF-style: chr10-16918974-C-T.
Other names: short protein forms A3010T.
Identifiers: ClinVar variation 1502771 (VCV001502771.8), dbSNP rs756775921, ClinGen allele CA5422834.